The following is an entry in ClinVar:

NM_006739.4(MCM5):c.1264C>A (p.Pro422Thr)

Gene: MCM5 (minichromosome maintenance complex component 5; plus strand). Cytogenetic location: 22q12.3.
Variant type: single nucleotide variant.
Coding change: c.1264C>A on transcript NM_006739.4 (MANE Select); coding-DNA position 1264, C replaced by A.
Protein change: p.Pro422Thr; replaces proline 422 with threonine.
Molecular consequence: missense variant.
Genome position (GRCh38, 1-based): chr22:35,415,889, C>A. VCF-style: chr22-35415889-C-A. GRCh37 (hg19) VCF-style: chr22-35811882-C-A.
Other names: short protein forms P422T.
Identifiers: ClinVar variation 1504496 (VCV001504496.8), dbSNP rs377044929, ClinGen allele CA411346711.
Genomic context (GRCh38, chr22:35,415,889, plus strand): 5'-GTATACACGTCTGGGAAAGGCAGCAGCGCAGCTGGACTGACAGCCTCGGTGATGAGGGAC[C>A]CTTCGTCCCGGAATTTCATCATGGAGGGCGGAGCCATGGTCCTGGCCGATGGTGGGGTCG-3'
Protein context (NP_006730.2, residues 412-432): AGLTASVMRD[Pro422Thr]SSRNFIMEGG

ClinVar aggregate classification (germline): Uncertain significance (1 of 4 stars; one submission).

Submission:

Labcorp Genetics (formerly Invitae), Labcorp
Classification: Uncertain significance. Last evaluated: 2023-11-27. Review status: criteria provided, single submitter. Criteria: Invitae Variant Classification Sherloc (09022015). Collection method: clinical testing. Allele origin: germline.
Comment: This sequence change replaces proline, which is neutral and non-polar, with threonine, which is neutral and polar, at codon 422 of the MCM5 protein (p.Pro422Thr). This variant is not present in population databases (gnomAD no frequency). This variant has not been reported in the literature in individuals affected with MCM5-related conditions. ClinVar contains an entry for this variant (Variation ID: 1504496). Advanced modeling of protein sequence and biophysical properties (such as structural, functional, and spatial information, amino acid conservation, physicochemical variation, residue mobility, and thermodynamic stability) performed at Invitae indicates that this missense variant is not expected to disrupt MCM5 protein function with a negative predictive value of 80%. In summary, the available evidence is currently insufficient to determine the role of this variant in disease. Therefore, it has been classified as a Variant of Uncertain Significance.